The following is an entry in ClinVar:

ClinVar aggregate classification (germline): Uncertain significance (1 of 4 stars; one submission).

Allele frequency attached by ClinVar (database versions not stated): gnomAD exomes below 0.00001; ExAC 0.00001.
gnomAD v4.1: 2 of 1,614,008 alleles (0.00012%); highest among the groups gnomAD compares: South Asian, 0.0011%; no homozygotes.

Submission:

Labcorp Genetics (formerly Invitae), Labcorp
Classification: Uncertain significance. Last evaluated: 2023-08-10. Review status: criteria provided, single submitter. Criteria: Invitae Variant Classification Sherloc (09022015). Collection method: clinical testing. Allele origin: germline.
Comment: This sequence change replaces asparagine, which is neutral and polar, with serine, which is neutral and polar, at codon 149 of the PDSS1 protein (p.Asn149Ser). This variant is present in population databases (rs768910609, gnomAD 0.003%). Advanced modeling of protein sequence and biophysical properties (such as structural, functional, and spatial information, amino acid conservation, physicochemical variation, residue mobility, and thermodynamic stability) performed at Invitae indicates that this missense variant is not expected to disrupt PDSS1 protein function. This variant has not been reported in the literature in individuals affected with PDSS1-related conditions. ClinVar contains an entry for this variant (Variation ID: 2106976). In summary, the available evidence is currently insufficient to determine the role of this variant in disease. Therefore, it has been classified as a Variant of Uncertain Significance.

NM_014317.5(PDSS1):c.446A>G (p.Asn149Ser)

Gene: PDSS1 (decaprenyl diphosphate synthase subunit 1; plus strand). Cytogenetic location: 10p12.1.
Variant type: single nucleotide variant.
Coding change: c.446A>G on transcript NM_014317.5 (MANE Select); coding-DNA position 446, A replaced by G.
Protein change: p.Asn149Ser; replaces asparagine 149 with serine.
Molecular consequence: missense variant. On other transcripts: 5 prime UTR variant (1).
Genome position (GRCh38, 1-based): chr10:26,709,747, A>G. VCF-style: chr10-26709747-A-G. GRCh37 (hg19) VCF-style: chr10-26998676-A-G.
Other names: c.446A>G, p.Asn149Ser (NM_001321978.2); c.-148A>G (NM_001321979.2); short protein forms N149S.
Identifiers: ClinVar variation 2106976 (VCV002106976.4), dbSNP rs768910609, ClinGen allele CA5446932.